The following is an entry in ClinVar:

ClinVar aggregate classification (germline): Uncertain significance. Review status: criteria provided, multiple submitters, no conflicts (2 of 4 stars). 3 submissions from 3 submitters: Uncertain significance (3). Last evaluated 2025-10-22.

Conditions:
Familial sleep-related hypermotor epilepsy. Also called: Autosomal Dominant Sleep-Related Hypermotor (Hyperkinetic) Epilepsy. Identifiers: Orphanet 98784, MedGen C3696898, MONDO:0000030.
Inborn genetic diseases. Identifiers: MedGen C0950123, MeSH D030342.

Allele frequency attached by ClinVar (database versions not stated): gnomAD exomes below 0.00001 and 0.00002; TOPMed 0.00001.
gnomAD v4.1: 25 of 1,614,074 alleles (0.0015%); highest among the groups gnomAD compares: Non-Finnish European, 0.0021%; no homozygotes.

Submissions (3):

Ambry Genetics
Classification: Uncertain significance for Inborn genetic diseases. Last evaluated: 2025-10-22. Review status: criteria provided, single submitter. Criteria: Ambry Variant Classification Scheme 2023. Collection method: clinical testing. Allele origin: germline.
Comment: The c.590G>T (p.C197F) alteration is located in exon 6 (coding exon 5) of the CHRNA2 gene. This alteration results from a G to T substitution at nucleotide position 590, causing the cysteine (C) at amino acid position 197 to be replaced by a phenylalanine (F). Based on data from gnomAD, the T allele has an overall frequency of <0.001% (1/251496) total alleles studied. The highest observed frequency was 0.001% (1/113770) of European (non-Finnish) alleles. Based on insufficient or conflicting evidence, the clinical significance of this alteration remains unclear.

Labcorp Genetics (formerly Invitae), Labcorp
Classification: Uncertain significance. Last evaluated: 2023-12-30. Review status: criteria provided, single submitter. Criteria: Invitae Variant Classification Sherloc (09022015). Collection method: clinical testing. Allele origin: germline.
Comment: This sequence change replaces cysteine, which is neutral and slightly polar, with phenylalanine, which is neutral and non-polar, at codon 197 of the CHRNA2 protein (p.Cys197Phe). This variant is present in population databases (rs796052299, gnomAD 0.0009%). This variant has not been reported in the literature in individuals affected with CHRNA2-related conditions. ClinVar contains an entry for this variant (Variation ID: 204961). Advanced modeling of protein sequence and biophysical properties (such as structural, functional, and spatial information, amino acid conservation, physicochemical variation, residue mobility, and thermodynamic stability) performed at Invitae indicates that this missense variant is expected to disrupt CHRNA2 protein function with a positive predictive value of 80%. In summary, the available evidence is currently insufficient to determine the role of this variant in disease. Therefore, it has been classified as a Variant of Uncertain Significance.

GeneDx
Classification: Uncertain significance. Last evaluated: 2018-09-05. Review status: criteria provided, single submitter. Criteria: GeneDx Variant Classification (06012015). Collection method: clinical testing. Allele origin: germline. Affected: yes.
Comment: p.Cys197Phe (C197F) TGC>TTC: c.590 G>T in exon 6 of the CHRNA2 gene (NM_000742.3). The C197F variant has not been published as a mutation, nor has it been reported as a benign polymorphism to our knowledge. It was not observed in approximately 6,500 individuals of European and African American ancestry in the NHLBI Exome Sequencing Project, indicating it is not a common benign variant in these populations. The C197F variant is a non-conservative amino acid substitution, which is likely to impact secondary protein structure as these residues differ in polarity, charge, size and/or other properties. This substitution occurs at a position that is conserved across species, and in silico analysis predicts the C197F variant is probably damaging to the protein structure/function. However, this amino acid substitution does not occur within the transmembrane region of the protein, where the vast majority of pathogenic missense mutations have been identified in association with epilepsy (Steinlein et al., 2010). Therefore, based on the currently available information, it is unclear whether the C197F variant is a pathogenic mutation or a rare benign variant. The variant is found in EPILEPSY panel(s).

NM_000742.4(CHRNA2):c.590G>T (p.Cys197Phe)

Gene: CHRNA2 (cholinergic receptor nicotinic alpha 2 subunit; minus strand). Cytogenetic location: 8p21.2.
Variant type: single nucleotide variant.
Coding change: c.590G>T on transcript NM_000742.4 (MANE Select); coding-DNA position 590, G replaced by T.
Protein change: p.Cys197Phe; replaces cysteine 197 with phenylalanine.
Molecular consequence: missense variant. On other transcripts: 5 prime UTR variant (2).
Genome position (GRCh38, 1-based): chr8:27,463,853, C>A on the plus strand (G>T on the coding strand, the complement: CHRNA2 is on the minus strand). VCF-style: chr8-27463853-C-A. GRCh37 (hg19) VCF-style: chr8-27321370-C-A.
Other names: p.C197F:TGC>TTC; c.545G>T, p.Cys182Phe (NM_001282455.2); c.113G>T, p.Cys38Phe (NM_001347705.2, NM_001347706.2); c.-5G>T (NM_001347707.2, NM_001347708.2); short protein forms C197F, C182F, C38F.
Identifiers: ClinVar variation 204961 (VCV000204961.6), dbSNP rs796052299, ClinGen allele CA313444.